The following is an entry in ClinVar:

NM_003601.4(SMARCA5):c.2642T>C (p.Ile881Thr)

Gene: SMARCA5 (SNF2 related chromatin remodeling ATPase 5; plus strand). Cytogenetic location: 4q31.21.
Variant type: single nucleotide variant.
Coding change: c.2642T>C on transcript NM_003601.4 (MANE Select); coding-DNA position 2642, T replaced by C.
Protein change: p.Ile881Thr; replaces isoleucine 881 with threonine.
Molecular consequence: missense variant.
Genome position (GRCh38, 1-based): chr4:143,546,897, T>C. VCF-style: chr4-143546897-T-C. GRCh37 (hg19) VCF-style: chr4-144468050-T-C.
Other names: short protein forms I881T.
Identifiers: ClinVar variation 4713699 (VCV004713699.1).
Genomic context (GRCh38, chr4:143,546,897, plus strand): 5'-GTCGTGATGATATTGAAAATATAGCAAGAGAAGTAGAAGGCAAAACTCCAGAAGAAGTCA[T>C]TGAATATTCAGGTAATTCTTTTAAGCAGGCTGTTGGAGTTTAGTAAGAGCTGTTGGAAGG-3'
Protein context (NP_003592.3, residues 871-891): EVEGKTPEEV[Ile881Thr]EYSAVFWERC

ClinVar aggregate classification (germline): Uncertain significance (1 of 4 stars; one submission).

Submission:

Labcorp Genetics (formerly Invitae), Labcorp
Classification: Uncertain significance. Last evaluated: 2025-08-25. Review status: criteria provided, single submitter. Criteria: Invitae Variant Classification Sherloc (09022015). Collection method: clinical testing. Allele origin: germline.
Comment: This sequence change replaces isoleucine, which is neutral and non-polar, with threonine, which is neutral and polar, at codon 881 of the SMARCA5 protein (p.Ile881Thr). This variant is not present in population databases (gnomAD no frequency). This variant has not been reported in the literature in individuals affected with SMARCA5-related conditions. An algorithm developed to predict the effect of missense changes on protein structure and function (PolyPhen-2) suggests that this variant is likely to be tolerated. In summary, the available evidence is currently insufficient to determine the role of this variant in disease. Therefore, it has been classified as a Variant of Uncertain Significance.